The following is an entry in ClinVar:

NM_001366722.1(GRIP1):c.*499A>G

Gene: GRIP1 (glutamate receptor interacting protein 1; minus strand). Cytogenetic location: 12q14.3.
Variant type: single nucleotide variant.
Coding change: c.*499A>G on transcript NM_001366722.1 (MANE Select); 499 bases downstream of the stop codon, A replaced by G.
Molecular consequence: 3 prime UTR variant.
Genome position (GRCh38, 1-based): chr12:66,348,520, T>C on the plus strand (A>G on the coding strand, the complement: GRIP1 is on the minus strand). VCF-style: chr12-66348520-T-C. GRCh37 (hg19) VCF-style: chr12-66742300-T-C.
Other names: c.*499A>G (NM_001178074.2, NM_001366723.1, NM_001366724.1 and 1 more transcripts).
Identifiers: ClinVar variation 310291 (VCV000310291.5), dbSNP rs572566894, ClinGen allele CA10642366.

ClinVar aggregate classification (germline): Likely benign (1 of 4 stars; one submission).

Conditions:
Fraser syndrome 3. Identifiers: MedGen C4540040, MONDO:0054739, OMIM 617667.

Allele frequency attached by ClinVar (database versions not stated): gnomAD 0.00001 and 0.00060; TOPMed 0.00009; gnomAD exomes 0.00084; 1000 Genomes Project 30x 0.00312; 1000 Genomes Project 0.00339.
gnomAD v4.1: 106 of 170,954 alleles (0.062%); highest among the groups gnomAD compares: South Asian, 1.5%; 3 homozygotes.

Submission:

Illumina Laboratory Services, Illumina
Classification: Likely benign for Fraser syndrome 3. Last evaluated: 2018-01-13. Review status: criteria provided, single submitter. Criteria: ICSL Variant Classification Criteria 13 December 2019. Collection method: clinical testing. Allele origin: germline.
Comment: This variant was observed in the ICSL laboratory as part of a predisposition screen in an ostensibly healthy population. It had not been previously curated by ICSL or reported in the Human Gene Mutation Database (HGMD: prior to June 1st, 2018), and was therefore a candidate for classification through an automated scoring system. Utilizing variant allele frequency, disease prevalence and penetrance estimates, and inheritance mode, an automated score was calculated to assess if this variant is too frequent to cause the disease. Based on the score and internal cut-off values, a variant classified as likely benign is not then subjected to further curation. The score for this variant resulted in a classification of likely benign for this disease.